The following is an entry in ClinVar:

ClinVar aggregate classification (germline): Likely benign (1 of 4 stars; one submission).

Allele frequency attached by ClinVar (database versions not stated): gnomAD exomes 0.00020; TOPMed 0.00020; ExAC 0.00024; ESP Exome Variant Server 0.00028; gnomAD 0.00041.
gnomAD v4.1: 272 of 1,205,860 alleles (0.023%); highest among the groups gnomAD compares: Non-Finnish European, 0.028%; no homozygotes.

Submission:

CeGaT Center for Human Genetics Tuebingen
Classification: Likely benign. Last evaluated: 2023-01-01. Review status: criteria provided, single submitter. Criteria: CeGaT Center For Human Genetics Tuebingen Variant Classification Criteria Version 2. Collection method: clinical testing. Allele origin: germline. Affected: yes. Observed: 1 variant allele.
Comment: PRRG1: BP4, BP7, BS2

NM_001142395.2(PRRG1):c.354C>T (p.Gly118=)

Gene: PRRG1 (proline rich and Gla domain 1; plus strand). Cytogenetic location: Xp21.1.
Variant type: single nucleotide variant.
Coding change: c.354C>T on transcript NM_001142395.2 (MANE Select); coding-DNA position 354, C replaced by T.
Protein change: p.Gly118=; no amino-acid change (glycine 118 retained).
Molecular consequence: synonymous variant.
Genome position (GRCh38, 1-based): chrX:37,453,318, C>T. VCF-style: chrX-37453318-C-T. GRCh37 (hg19) VCF-style: chrX-37312571-C-T.
Other names: c.354C>T, p.Gly118= (NM_000950.3, NM_001173489.2, NM_001173490.2).
Identifiers: ClinVar variation 2660279 (VCV002660279.24), dbSNP rs150262063, ClinGen allele CA10383209.